The following is an entry in ClinVar:

NM_005732.4(RAD50):c.3461C>T (p.Thr1154Ile)

Genes: TH2-LCR (Th2 cytokine locus control region; plus strand), TH2LCRR (T helper type 2 locus control region associated RNA; minus strand), RAD50 (RAD50 double strand break repair protein; plus strand). Cytogenetic location: 5q31.1.
Variant type: single nucleotide variant.
Coding change: c.3461C>T on transcript NM_005732.4 (MANE Select); coding-DNA position 3461, C replaced by T.
Protein change: p.Thr1154Ile; replaces threonine 1154 with isoleucine.
Molecular consequence: missense variant.
Genome position (GRCh38, 1-based): chr5:132,637,186, C>T. VCF-style: chr5-132637186-C-T. GRCh37 (hg19) VCF-style: chr5-131972878-C-T.
Other names: short protein forms T1154I.
Identifiers: ClinVar variation 823801 (VCV000823801.12), dbSNP rs1581020275, ClinGen allele CA360930459.

ClinVar aggregate classification (germline): Uncertain significance. Review status: criteria provided, multiple submitters, no conflicts (2 of 4 stars). 2 submissions from 2 submitters: Uncertain significance (2). Last evaluated 2024-01-28.

Conditions:
Hereditary cancer-predisposing syndrome. Also called: Neoplastic Syndromes, Hereditary; Tumor predisposition; Hereditary neoplastic syndrome; Hereditary Cancer Syndrome. Identifiers: Orphanet 140162, MedGen C0027672, MeSH D009386, MONDO:0015356.

Allele frequency attached by ClinVar (database versions not stated): gnomAD exomes below 0.00001.
gnomAD v4.1: 2 of 1,611,624 alleles (0.00012%); highest among the groups gnomAD compares: Non-Finnish European, 0.00017%; no homozygotes.

Submissions (2):

Ambry Genetics
Classification: Uncertain significance for Hereditary cancer-predisposing syndrome. Last evaluated: 2024-01-28. Review status: criteria provided, single submitter. Criteria: Ambry Variant Classification Scheme 2023. Collection method: clinical testing. Allele origin: germline.
Comment: The p.T1154I variant (also known as c.3461C>T), located in coding exon 22 of the RAD50 gene, results from a C to T substitution at nucleotide position 3461. The threonine at codon 1154 is replaced by isoleucine, an amino acid with similar properties. This amino acid position is highly conserved in available vertebrate species. In addition, the in silico prediction for this alteration is inconclusive. Since supporting evidence is limited at this time, the clinical significance of this alteration remains unclear.

Labcorp Genetics (formerly Invitae), Labcorp
Classification: Uncertain significance for Hereditary cancer-predisposing syndrome. Last evaluated: 2023-07-07. Review status: criteria provided, single submitter. Criteria: Invitae Variant Classification Sherloc (09022015). Collection method: clinical testing. Allele origin: germline.
Comment: This sequence change replaces threonine, which is neutral and polar, with isoleucine, which is neutral and non-polar, at codon 1154 of the RAD50 protein (p.Thr1154Ile). This variant is not present in population databases (gnomAD no frequency). This variant has not been reported in the literature in individuals affected with RAD50-related conditions. ClinVar contains an entry for this variant (Variation ID: 823801). Advanced modeling of protein sequence and biophysical properties (such as structural, functional, and spatial information, amino acid conservation, physicochemical variation, residue mobility, and thermodynamic stability) performed at Invitae indicates that this missense variant is not expected to disrupt RAD50 protein function. In summary, the available evidence is currently insufficient to determine the role of this variant in disease. Therefore, it has been classified as a Variant of Uncertain Significance.